The following is an entry in ClinVar:

ClinVar aggregate classification (germline): Uncertain significance (1 of 4 stars; one submission).

Allele frequency attached by ClinVar (database versions not stated): gnomAD exomes below 0.00001.
gnomAD v4.1: 1 of 1,611,178 alleles (0.000062%); highest among the groups gnomAD compares: Non-Finnish European, 0.000085%; no homozygotes.

Submission:

Quest Diagnostics Nichols Institute San Juan Capistrano
Classification: Uncertain significance. Last evaluated: 2022-09-06. Review status: criteria provided, single submitter. Criteria: Quest Diagnostics criteria. Collection method: clinical testing. Allele origin: unknown.
Comment: This variant has not been reported in the published literature. It also has not been reported in large, multi-ethnic general populations. Based on the available information, we are unable to determine the clinical significance of this variant.

NM_000179.3(MSH6):c.-10G>A

Gene: MSH6 (mutS homolog 6; plus strand). Cytogenetic location: 2p16.3.
Variant type: single nucleotide variant.
Coding change: c.-10G>A on transcript NM_000179.3 (MANE Select); 10 bases upstream of the start codon, G replaced by A.
Molecular consequence: 5 prime UTR variant. On other transcripts: non-coding transcript variant (5).
Genome position (GRCh38, 1-based): chr2:47,783,224, G>A. VCF-style: chr2-47783224-G-A. GRCh37 (hg19) VCF-style: chr2-48010363-G-A.
Other names: c.-10G>A (NM_001281492.2, NM_001406795.1, NM_001406796.1 and 9 more transcripts); c.-746G>A (NM_001281493.2, NM_001406811.1); c.-45G>A (NM_001406797.1, NM_001406801.1, NM_001406805.1); c.-338G>A (NM_001406799.1); c.-65G>A (NM_001406804.1); c.-76G>A (NM_001406806.1); c.-938G>A (NM_001406807.1); c.-593G>A (NM_001406812.1); and 3 more.
Identifiers: ClinVar variation 2682017 (VCV002682017.1), dbSNP rs2103929891, ClinGen allele CA2576961292.